The following is an entry in ClinVar:

NM_001134363.3(RBM20):c.3524C>T (p.Thr1175Ile)

Gene: RBM20 (RNA binding motif protein 20; plus strand). Cytogenetic location: 10q25.2.
Variant type: single nucleotide variant.
Coding change: c.3524C>T on transcript NM_001134363.3 (MANE Select); coding-DNA position 3524, C replaced by T.
Protein change: p.Thr1175Ile; replaces threonine 1175 with isoleucine.
Molecular consequence: missense variant.
Genome position (GRCh38, 1-based): chr10:110,831,133, C>T. VCF-style: chr10-110831133-C-T. GRCh37 (hg19) VCF-style: chr10-112590891-C-T.
Other names: short protein forms T1175I.
Identifiers: ClinVar variation 4802666 (VCV004802666.1).
Genomic context (GRCh38, chr10:110,831,133, plus strand): 5'-TGGTTCCCAGGACTGGCTTTTATTGCAAGCTGTGTGGGCTGTTCTACACGAGCGAGGAGA[C>T]AGCAAAGATGAGCCACTGCCGCAGCGCTGTCCACTACAGGAACTTACAGGTAAAAATCCA-3'
Protein context (NP_001127835.2, residues 1165-1185): LCGLFYTSEE[Thr1175Ile]AKMSHCRSAV

ClinVar aggregate classification (germline): Uncertain significance (1 of 4 stars; one submission).

Conditions:
Dilated cardiomyopathy 1DD (CMD1DD). Identifiers: Orphanet 154, MedGen C2750995, MONDO:0013168, OMIM 613172.

Submission:

Labcorp Genetics (formerly Invitae), Labcorp
Classification: Uncertain significance for Dilated cardiomyopathy 1DD. Last evaluated: 2025-03-18. Review status: criteria provided, single submitter. Criteria: Invitae Variant Classification Sherloc (09022015). Collection method: clinical testing. Allele origin: germline.
Comment: This sequence change replaces threonine, which is neutral and polar, with isoleucine, which is neutral and non-polar, at codon 1175 of the RBM20 protein (p.Thr1175Ile). This variant is not present in population databases (gnomAD no frequency). This variant has not been reported in the literature in individuals affected with RBM20-related conditions. Invitae Evidence Modeling of protein sequence and biophysical properties (such as structural, functional, and spatial information, amino acid conservation, physicochemical variation, residue mobility, and thermodynamic stability) indicates that this missense variant is not expected to disrupt RBM20 protein function with a negative predictive value of 95%. In summary, the available evidence is currently insufficient to determine the role of this variant in disease. Therefore, it has been classified as a Variant of Uncertain Significance.